The following is an entry in ClinVar:

NM_001379286.1(ZNF423):c.317C>A (p.Pro106Gln)

Gene: ZNF423 (zinc finger protein 423; minus strand). Cytogenetic location: 16q12.1.
Variant type: single nucleotide variant.
Coding change: c.317C>A on transcript NM_001379286.1 (MANE Select); coding-DNA position 317, C replaced by A.
Protein change: p.Pro106Gln; replaces proline 106 with glutamine.
Molecular consequence: missense variant. On other transcripts: 5 prime UTR variant (1).
Genome position (GRCh38, 1-based): chr16:49,638,859, G>T on the plus strand (C>A on the coding strand, the complement: ZNF423 is on the minus strand). VCF-style: chr16-49638859-G-T. GRCh37 (hg19) VCF-style: chr16-49672770-G-T.
Other names: c.113C>A, p.Pro38Gln (NM_001271620.2); c.-59C>A (NM_001330533.2); c.293C>A, p.Pro98Gln (NM_015069.5); short protein forms P98Q, P106Q, P38Q.
Identifiers: ClinVar variation 946276 (VCV000946276.7), dbSNP rs113358702, ClinGen allele CA8046893.

ClinVar aggregate classification (germline): Uncertain significance (1 of 4 stars; one submission).

Conditions:
Nephronophthisis 14 (NPHP14). Identifiers: Orphanet 2318, MedGen C3539071, MONDO:0013916, OMIM 614844.

Allele frequency attached by ClinVar (database versions not stated): TOPMed 0.00010; 1000 Genomes Project 30x 0.00016.
gnomAD v4.1: 181 of 1,606,590 alleles (0.011%); highest among the groups gnomAD compares: Non-Finnish European, 0.015%; no homozygotes.

Submission:

Labcorp Genetics (formerly Invitae), Labcorp
Classification: Uncertain significance for Nephronophthisis 14. Last evaluated: 2022-07-18. Review status: criteria provided, single submitter. Criteria: Invitae Variant Classification Sherloc (09022015). Collection method: clinical testing. Allele origin: germline.
Comment: This sequence change replaces proline, which is neutral and non-polar, with glutamine, which is neutral and polar, at codon 98 of the ZNF423 protein (p.Pro98Gln). This variant is present in population databases (rs113358702, gnomAD 0.01%). This variant has not been reported in the literature in individuals affected with ZNF423-related conditions. ClinVar contains an entry for this variant (Variation ID: 946276). Algorithms developed to predict the effect of missense changes on protein structure and function are either unavailable or do not agree on the potential impact of this missense change (SIFT: "Deleterious"; PolyPhen-2: "Probably Damaging"; Align-GVGD: "Class C0"). In summary, the available evidence is currently insufficient to determine the role of this variant in disease. Therefore, it has been classified as a Variant of Uncertain Significance.